The following is an entry in ClinVar:

ClinVar aggregate classification (germline): Uncertain significance (1 of 4 stars; one submission).

Conditions:
Focal segmental glomerulosclerosis 5 (FSGS5). Identifiers: Orphanet 656, MedGen C2750475, MONDO:0013191, OMIM 613237.
Charcot-Marie-Tooth disease dominant intermediate E. Also called: CHARCOT-MARIE-TOOTH NEUROPATHY WITH FOCAL SEGMENTAL GLOMERULONEPHRITIS. Identifiers: Orphanet 93114, MedGen C4302667, MONDO:0013758, OMIM 614455.

Allele frequency attached by ClinVar (database versions not stated): gnomAD exomes below 0.00001; TOPMed 0.00003; gnomAD 0.00004 and 0.00005.
gnomAD v4.1: 9 of 1,613,560 alleles (0.00056%); highest among the groups gnomAD compares: Admixed American, 0.013%; no homozygotes.

Submission:

Labcorp Genetics (formerly Invitae), Labcorp
Classification: Uncertain significance for Charcot-Marie-Tooth disease dominant intermediate E; Focal segmental glomerulosclerosis 5. Last evaluated: 2022-07-19. Review status: criteria provided, single submitter. Criteria: Invitae Variant Classification Sherloc (09022015). Collection method: clinical testing. Allele origin: germline.
Comment: This variant has not been reported in the literature in individuals affected with INF2-related conditions. In summary, the available evidence is currently insufficient to determine the role of this variant in disease. Therefore, it has been classified as a Variant of Uncertain Significance. Algorithms developed to predict the effect of sequence changes on RNA splicing suggest that this variant may create or strengthen a splice site. Algorithms developed to predict the effect of missense changes on protein structure and function output the following: SIFT: "Tolerated"; PolyPhen-2: "Not Available"; Align-GVGD: "Class C0". The serine amino acid residue is found in multiple mammalian species, which suggests that this missense change does not adversely affect protein function. ClinVar contains an entry for this variant (Variation ID: 1356346). This variant is present in population databases (no rsID available, gnomAD 0.003%). This sequence change replaces asparagine, which is neutral and polar, with serine, which is neutral and polar, at codon 1240 of the INF2 protein (p.Asn1240Ser).

NM_022489.4(INF2):c.3719A>G (p.Asn1240Ser)

Gene: INF2 (inverted formin 2; plus strand). Cytogenetic location: 14q32.33.
Variant type: single nucleotide variant.
Coding change: c.3719A>G on transcript NM_022489.4 (MANE Select); coding-DNA position 3719, A replaced by G.
Protein change: p.Asn1240Ser; replaces asparagine 1240 with serine.
Molecular consequence: missense variant. On other transcripts: intron variant (1).
Genome position (GRCh38, 1-based): chr14:104,715,308, A>G. VCF-style: chr14-104715308-A-G. GRCh37 (hg19) VCF-style: chr14-105181645-A-G.
Other names: c.3694+452A>G (NM_001031714.4); short protein forms N1240S.
Identifiers: ClinVar variation 1356346 (VCV001356346.8), dbSNP rs1306025921, ClinGen allele CA391226236.